The following is an entry in ClinVar:

ClinVar aggregate classification (germline): Uncertain significance (1 of 4 stars; one submission).

gnomAD v4.1: 1 of 1,613,708 alleles (0.000062%); highest among the groups gnomAD compares: Admixed American, 0.0017%; no homozygotes.

Submission:

Mayo Clinic Laboratories, Mayo Clinic
Classification: Uncertain significance. Last evaluated: 2024-12-31. Review status: criteria provided, single submitter. Criteria: ACMG Guidelines, 2015. Collection method: clinical testing. Allele origin: germline. Observed: 1 variant allele.
Comment: BP4_moderate, PM2_supporting

NM_032383.5(HPS3):c.1709C>T (p.Ser570Phe)

Gene: HPS3 (HPS3 biogenesis of lysosomal organelles complex 2 subunit 1; plus strand). Cytogenetic location: 3q24.
Variant type: single nucleotide variant.
Coding change: c.1709C>T on transcript NM_032383.5 (MANE Select); coding-DNA position 1709, C replaced by T.
Protein change: p.Ser570Phe; replaces serine 570 with phenylalanine.
Molecular consequence: missense variant.
Genome position (GRCh38, 1-based): chr3:149,158,683, C>T. VCF-style: chr3-149158683-C-T. GRCh37 (hg19) VCF-style: chr3-148876470-C-T.
Other names: p.Ser570Phe; c.1214C>T, p.Ser405Phe (NM_001308258.2); short protein forms S570F, S405F.
Identifiers: ClinVar variation 4540936 (VCV004540936.1).